The following is an entry in ClinVar:

NM_001358235.2(DCHS2):c.6084C>G (p.Val2028=)

Genes: DCHS2 (dachsous cadherin-related 2; minus strand), DCHS2-AS1 (DCHS2 antisense RNA 1; plus strand). Cytogenetic location: 4q31.3.
Variant type: single nucleotide variant.
Coding change: c.6084C>G on transcript NM_001358235.2 (MANE Select); coding-DNA position 6084, C replaced by G.
Protein change: p.Val2028=; no amino-acid change (valine 2028 retained).
Molecular consequence: synonymous variant.
Genome position (GRCh38, 1-based): chr4:154,298,230, G>C on the plus strand (C>G on the coding strand, the complement: DCHS2 is on the minus strand). VCF-style: chr4-154298230-G-C. GRCh37 (hg19) VCF-style: chr4-155219382-G-C.
Other names: NC_000004.11:g.155219382G>C.
Identifiers: ClinVar variation 3056527 (VCV003056527.3), dbSNP rs116029479, ClinGen allele CA3112510.

ClinVar aggregate classification (germline): Benign (0 of 4 stars; one submission).

Conditions:
DCHS2-related disorder. Also called: DCHS2-related condition.

Allele frequency attached by ClinVar (database versions not stated): 1000 Genomes Project 30x 0.01843; 1000 Genomes Project 0.01957; TOPMed 0.03684; gnomAD 0.03780; ExAC 0.03818; ESP Exome Variant Server 0.04682; gnomAD exomes 0.05193.
gnomAD v4.1: 81,263 of 1,614,080 alleles (5%); highest among the groups gnomAD compares: Non-Finnish European, 6%; 2,330 homozygotes.

Submissions (7):

PreventionGenetics, part of Exact Sciences
Classification: Benign for DCHS2-related condition. Last evaluated: 2019-05-09. Review status: no assertion criteria provided. Collection method: clinical testing. Allele origin: germline.
Comment: This variant is classified as benign based on ACMG/AMP sequence variant interpretation guidelines (Richards et al. 2015 PMID: 25741868, with internal and published modifications).

Dr. Peter K. Rogan Lab, Western University
No classification provided (evidence only). Condition: Colon adenocarcinoma. Review status: no classification provided. Collection method: in vitro. Allele origin: not applicable. Functional consequence: retained intron. Not counted in ClinVar's aggregate classification.

Dr. Peter K. Rogan Lab, Western University
No classification provided (evidence only). Condition: Cervical cancer. Review status: no classification provided. Collection method: in vitro. Allele origin: not applicable. Functional consequence: retained intron. Not counted in ClinVar's aggregate classification.

Dr. Peter K. Rogan Lab, Western University
No classification provided (evidence only). Condition: Cervical cancer. Review status: no classification provided. Collection method: in vitro. Allele origin: not applicable. Functional consequence: retained intron. Not counted in ClinVar's aggregate classification.

Dr. Peter K. Rogan Lab, Western University
No classification provided (evidence only). Condition: Nonpapillary renal cell carcinoma. Review status: no classification provided. Collection method: in vitro. Allele origin: not applicable. Functional consequence: retained intron. Not counted in ClinVar's aggregate classification.

Dr. Peter K. Rogan Lab, Western University
No classification provided (evidence only). Condition: Cholangiocarcinoma. Review status: no classification provided. Collection method: in vitro. Allele origin: not applicable. Functional consequence: retained intron. Not counted in ClinVar's aggregate classification.

Dr. Peter K. Rogan Lab, Western University
No classification provided (evidence only). Condition: Adrenocortical carcinoma, hereditary. Review status: no classification provided. Collection method: in vitro. Allele origin: not applicable. Functional consequence: retained intron. Not counted in ClinVar's aggregate classification.